The following is an entry in ClinVar:

ClinVar aggregate classification (germline): Likely benign. Review status: reviewed by expert panel (3 of 4 stars). 5 submissions from 5 submitters: Likely benign (1). 4 of the submissions do not count toward it. Last evaluated 2017-06-29.

Conditions:
Hereditary cancer-predisposing syndrome. Also called: Hereditary neoplastic syndrome; Hereditary Cancer Syndrome; Neoplastic Syndromes, Hereditary; Tumor predisposition. Identifiers: Orphanet 140162, MedGen C0027672, MeSH D009386, MONDO:0015356.
Breast-ovarian cancer, familial, susceptibility to, 2 (BROVCA2). Also called: BRCA2 Hereditary Breast and Ovarian Cancer. Identifiers: Orphanet 145, MedGen C2675520, MONDO:0012933, OMIM 612555. Disease mechanism: loss of function.
Hereditary breast ovarian cancer syndrome. Also called: Hereditary breast and ovarian cancer syndrome; BRCA1- and BRCA2-Associated Hereditary Breast and Ovarian Cancer; Hereditary breast and/or ovarian cancer syndrome; Hereditary breast and ovarian cancer; Breast and ovarian cancer; Hereditary breast and ovarian cancer syndrome (HBOC). Identifiers: Orphanet 145, MedGen C0677776, MeSH D061325, MONDO:0003582. Disease mechanism: loss of function.

Allele frequency attached by ClinVar (database versions not stated): gnomAD 0.00001.

Submissions (5):

Evidence-based Network for the Interpretation of Germline Mutant Alleles (ENIGMA)
Classification: Likely benign for Breast-ovarian cancer, familial, susceptibility to, 2. Last evaluated: 2017-06-29. Review status: reviewed by expert panel. Criteria: ENIGMA BRCA1/2 Classification Criteria (2017-06-29). Collection method: curation. Allele origin: germline.
Comment: Synonymous substitution variant, with low bioinformatic likelihood to result in a splicing aberration (Splicing prior probability 0.02).

Quest Diagnostics Nichols Institute San Juan Capistrano
Classification: Likely benign. Last evaluated: 2025-09-18. Review status: criteria provided, single submitter. Criteria: Quest Diagnostics criteria. Collection method: clinical testing. Allele origin: unknown. Not counted in ClinVar's aggregate classification.

Labcorp Genetics (formerly Invitae), Labcorp
Classification: Likely benign for Hereditary breast ovarian cancer syndrome. Last evaluated: 2025-02-09. Review status: criteria provided, single submitter. Criteria: Invitae Variant Classification Sherloc (09022015). Collection method: clinical testing. Allele origin: germline. Not counted in ClinVar's aggregate classification.

Color Diagnostics, LLC DBA Color Health
Classification: Likely benign for Hereditary cancer-predisposing syndrome. Last evaluated: 2020-08-18. Review status: criteria provided, single submitter. Criteria: ACMG Guidelines, 2015. Collection method: clinical testing. Allele origin: germline. Not counted in ClinVar's aggregate classification.

Ambry Genetics
Classification: Likely benign for Hereditary cancer-predisposing syndrome. Last evaluated: 2020-02-08. Review status: criteria provided, single submitter. Criteria: Ambry Variant Classification Scheme 2023. Collection method: clinical testing. Allele origin: germline. Not counted in ClinVar's aggregate classification.

Literature cited by the submitters: PubMed 38566028 (cited by Quest Diagnostics Nichols Institute San Juan Capistrano).

NM_000059.4(BRCA2):c.3972T>C (p.Tyr1324=)

Gene: BRCA2 (BRCA2 DNA repair associated; plus strand). Cytogenetic location: 13q13.1.
Variant type: single nucleotide variant.
Coding change: c.3972T>C on transcript NM_000059.4 (MANE Select); coding-DNA position 3972, T replaced by C.
Protein change: p.Tyr1324=; no amino-acid change (tyrosine 1324 retained).
Molecular consequence: synonymous variant.
Genome position (GRCh38, 1-based): chr13:32,338,327, T>C. VCF-style: chr13-32338327-T-C. GRCh37 (hg19) VCF-style: chr13-32912464-T-C.
Identifiers: ClinVar variation 427389 (VCV000427389.17), dbSNP rs1131692119, ClinGen allele CA483437973.